The following is an entry in ClinVar:

ClinVar aggregate classification (germline): Uncertain significance. Review status: criteria provided, multiple submitters, no conflicts (2 of 4 stars). 4 submissions from 4 submitters: Uncertain significance (4). Last evaluated 2026-06-30.

Conditions:
Charcot-Marie-Tooth disease. Also called: Charcot-Marie-Tooth Neuropathy; Charcot-Marie-Tooth Hereditary Neuropathy. Identifiers: Orphanet 166, MedGen C0007959, MONDO:0015626.
PRX-related disorder. Also called: PRX-Related Disorders; PRX-related condition.
Charcot-Marie-Tooth disease type 4. Also called: Charcot-Marie-Tooth disease, type IV; Charcot-Marie-Tooth, Type 4. Identifiers: Orphanet 64749, MedGen C4082197, MONDO:0018995.

Allele frequency attached by ClinVar (database versions not stated): gnomAD exomes 0.00005 and 0.00009; ExAC 0.00007.
gnomAD v4.1: 134 of 1,613,864 alleles (0.0083%); highest among the groups gnomAD compares: East Asian, 0.13%; no homozygotes.

Submissions (4):

PreventionGenetics, part of Exact Sciences
Classification: Uncertain significance for PRX-related condition. Last evaluated: 2026-06-30. Review status: criteria provided, single submitter. Criteria: ACMG Guidelines, 2015. Collection method: clinical testing. Allele origin: germline.
Comment: The PRX c.3239G>A variant is predicted to result in the amino acid substitution p.Arg1080His. This variant has been reported as a variant of uncertain significance in an individual from a large cohort study of Charcot-Marie-Tooth disease; however, additional evidence was not provided (Supp. Table 2; Volodarsky et al. 2021. PubMed ID: 32376792). This variant is reported in 0.049% of alleles in individuals of East Asian descent in gnomAD. At this time, the clinical significance of this variant is uncertain due to the absence of conclusive functional and genetic evidence.

ARUP Laboratories, Molecular Genetics and Genomics, ARUP Laboratories
Classification: Uncertain significance. Last evaluated: 2022-02-07. Review status: criteria provided, single submitter. Criteria: ARUP Molecular Germline Variant Investigation Process 2021. Collection method: clinical testing. Allele origin: germline.
Comment: The PRX c.3239G>A; p.Arg1080His variant (rs762213719) is reported in the literature in an individual affected with Charcot-Marie-Tooth disease (Volodarsky 2021). This variant is also reported in ClinVar (Variation ID: 916919), and is found in the general population with an overall allele frequency of 0.0052% (13/251200 alleles) in the Genome Aggregation Database. The arginine at codon 1080 is moderately conserved, and computational analyses predict that this variant is neutral (REVEL: 0.040). Due to limited information, the clinical significance of this variant is uncertain at this time. References: Volodarsky M et al. Comprehensive genetic sequence and copy number analysis for Charcot-Marie-Tooth disease in a Canadian cohort of 2517 patients. J Med Genet. 2021 Apr;58(4):284-288. PMID: 32376792.

Labcorp Genetics (formerly Invitae), Labcorp
Classification: Uncertain significance for Charcot-Marie-Tooth disease type 4. Last evaluated: 2021-08-24. Review status: criteria provided, single submitter. Criteria: Invitae Variant Classification Sherloc (09022015). Collection method: clinical testing. Allele origin: germline.
Comment: This sequence change replaces arginine with histidine at codon 1080 of the PRX protein (p.Arg1080His). The arginine residue is moderately conserved and there is a small physicochemical difference between arginine and histidine. This variant is present in population databases (rs762213719, ExAC 0.07%). This variant has not been reported in the literature in individuals affected with PRX-related conditions. Algorithms developed to predict the effect of missense changes on protein structure and function are either unavailable or do not agree on the potential impact of this missense change (SIFT: "Tolerated"; PolyPhen-2: "Possibly Damaging"; Align-GVGD: "Class C0"). In summary, the available evidence is currently insufficient to determine the role of this variant in disease. Therefore, it has been classified as a Variant of Uncertain Significance.

Molecular Genetics Laboratory, London Health Sciences Centre
Classification: Uncertain significance for Charcot-Marie-Tooth disease. Review status: criteria provided, single submitter. Criteria: ACMG Guidelines, 2015. Collection method: clinical testing. Allele origin: germline. Affected: yes.

NM_181882.3(PRX):c.3239G>A (p.Arg1080His)

Gene: PRX (periaxin; minus strand). Cytogenetic location: 19q13.2.
Variant type: single nucleotide variant.
Coding change: c.3239G>A on transcript NM_181882.3 (MANE Select); coding-DNA position 3239, G replaced by A.
Protein change: p.Arg1080His; replaces arginine 1080 with histidine.
Molecular consequence: missense variant. On other transcripts: 3 prime UTR variant (1).
Genome position (GRCh38, 1-based): chr19:40,395,113, C>T on the plus strand (G>A on the coding strand, the complement: PRX is on the minus strand). VCF-style: chr19-40395113-C-T. GRCh37 (hg19) VCF-style: chr19-40901020-C-T.
Other names: c.3239G>A (NM_181882.2); c.*3444G>A (NM_020956.2); short protein forms R1080H.
Identifiers: ClinVar variation 916919 (VCV000916919.14), dbSNP rs762213719, ClinGen allele CA9443902.
Genomic context (GRCh38, chr19:40,395,113, plus strand): 5'-TCCACCTCGGGGATCTTAAGCTGCACAGCGGTGGACTCAGCCTTTTCCCCCGGGCTGGCA[C>T]GATCACCTTGAACTTCTGCTTCCTTCCCTCGAGCCAGCCCAAAGGAAGGCATCTTCAGCT-3'
Protein context (NP_870998.2, residues 1070-1090): RGKEAEVQGD[Arg1080His]ASPGEKAEST